The following is an entry in ClinVar:

NM_001042492.3(NF1):c.3577T>A (p.Phe1193Ile)

Gene: NF1 (neurofibromin 1; plus strand). Cytogenetic location: 17q11.2.
Variant type: single nucleotide variant.
Coding change: c.3577T>A on transcript NM_001042492.3 (MANE Select); coding-DNA position 3577, T replaced by A.
Protein change: p.Phe1193Ile; replaces phenylalanine 1193 with isoleucine.
Molecular consequence: missense variant.
Genome position (GRCh38, 1-based): chr17:31,233,082, T>A. VCF-style: chr17-31233082-T-A. GRCh37 (hg19) VCF-style: chr17-29560100-T-A.
Other names: c.3577T>A, p.Phe1193Ile (NM_000267.4); short protein forms F1193I.
Identifiers: ClinVar variation 1067009 (VCV001067009.6), dbSNP rs2151435475, ClinGen allele CA398990135.

ClinVar aggregate classification (germline): Conflicting classifications of pathogenicity. Review status: criteria provided, conflicting classifications (1 of 4 stars). 2 submissions from 2 submitters: Likely pathogenic (1); Uncertain significance (1). Last evaluated 2023-11-09.

Conditions:
Hereditary cancer-predisposing syndrome. Also called: Tumor predisposition; Neoplastic Syndromes, Hereditary; Hereditary neoplastic syndrome; Hereditary Cancer Syndrome. Identifiers: Orphanet 140162, MedGen C0027672, MeSH D009386, MONDO:0015356.
Cardiovascular phenotype. Identifiers: MedGen CN230736.
Neurofibromatosis, type 1 (NF1). Also called: VON RECKLINGHAUSEN DISEASE; Peripheral type neurofibromatosis; NEUROFIBROMATOSIS, TYPE I, SOMATIC; Neurofibromatosis, type I. Identifiers: Orphanet 636, MedGen C0027831, MONDO:0018975, OMIM 162200. Disease mechanism: loss of function.

Submissions (2):

Ambry Genetics
Classification: Uncertain significance for Cardiovascular phenotype; Hereditary cancer-predisposing syndrome. Last evaluated: 2023-11-09. Review status: criteria provided, single submitter. Criteria: Ambry Variant Classification Scheme 2023. Collection method: clinical testing. Allele origin: germline.
Comment: The p.F1193I variant (also known as c.3577T>A), located in coding exon 27 of the NF1 gene, results from a T to A substitution at nucleotide position 3577. The phenylalanine at codon 1193 is replaced by isoleucine, an amino acid with highly similar properties. This amino acid position is conserved. In addition, the in silico prediction for this alteration is inconclusive. Since supporting evidence is limited at this time, the clinical significance of this alteration remains unclear.

Labcorp Genetics (formerly Invitae), Labcorp
Classification: Likely pathogenic for Neurofibromatosis, type 1. Last evaluated: 2020-10-19. Review status: criteria provided, single submitter. Criteria: Invitae Variant Classification Sherloc (09022015). Collection method: clinical testing. Allele origin: germline.
Comment: In summary, the currently available evidence indicates that the variant is pathogenic, but additional data are needed to prove that conclusively. Therefore, this variant has been classified as Likely Pathogenic. This variant disrupts the p.Phe1193 amino acid residue in NF1. Other variant(s) that disrupt this residue have been determined to be pathogenic (Invitae). This suggests that this residue is clinically significant, and that variants that disrupt this residue are likely to be disease-causing. Advanced modeling of protein sequence and biophysical properties (such as structural, functional, and spatial information, amino acid conservation, physicochemical variation, residue mobility, and thermodynamic stability) performed at Invitae indicates that this missense variant is expected to disrupt NF1 protein function. This variant has not been reported in the literature in individuals with NF1-related conditions. This variant is not present in population databases (ExAC no frequency). This sequence change replaces phenylalanine with isoleucine at codon 1193 of the NF1 protein (p.Phe1193Ile). The phenylalanine residue is moderately conserved and there is a small physicochemical difference between phenylalanine and isoleucine.